The following is an entry in ClinVar:

NM_001184880.2(PCDH19):c.1625C>G (p.Ser542Ter)

Gene: PCDH19 (protocadherin 19; minus strand). Cytogenetic location: Xq22.1.
Variant type: single nucleotide variant.
Coding change: c.1625C>G on transcript NM_001184880.2 (MANE Select); coding-DNA position 1625, C replaced by G.
Protein change: p.Ser542Ter; replaces serine 542 with a stop codon.
Molecular consequence: nonsense.
Genome position (GRCh38, 1-based): chrX:100,406,973, G>C on the plus strand (C>G on the coding strand, the complement: PCDH19 is on the minus strand). VCF-style: chrX-100406973-G-C. GRCh37 (hg19) VCF-style: chrX-99661971-G-C.
Other names: p.S542*:TCA>TGA; c.1625C>G, p.Ser542Ter (NM_001105243.2, NM_020766.3); short protein forms S542*.
Identifiers: ClinVar variation 206335 (VCV000206335.2), dbSNP rs796052817, ClinGen allele CA316360.

ClinVar aggregate classification (germline): Pathogenic (1 of 4 stars; one submission).

Submission:

GeneDx
Classification: Pathogenic. Last evaluated: 2014-01-28. Review status: criteria provided, single submitter. Criteria: GeneDx Variant Classification (06012015). Collection method: clinical testing. Allele origin: germline. Affected: yes.
Comment: This variant is denoted p.Ser542Stop (TCA>TGA): c.1625 C>G in exon 1 of the PCDH19 gene (NM_001105243.1). The Ser542Stop nonsense mutation in the PCDH19 gene is predicted to cause loss of normal protein function either through protein truncation or nonsense-mediated mRNA decay. Although this mutation has not been reported previously to our knowledge, its presence is consistent with a diagnosis of a PCDH19-related disorder. The variant is found in EPILEPSY panel(s).